The following is an entry in ClinVar:

ClinVar aggregate classification (germline): Pathogenic. Review status: reviewed by expert panel (3 of 4 stars). 3 submissions from 3 submitters: Pathogenic (1). 2 of the submissions do not count toward it. Last evaluated 2016-10-18.

Conditions:
Breast-ovarian cancer, familial, susceptibility to, 1 (BROVCA1). Also called: OVARIAN CANCER, SUSCEPTIBILITY TO; BRCA1 Hereditary Breast and Ovarian Cancer. Identifiers: Orphanet 145, MedGen C2676676, MONDO:0011450, OMIM 604370. Disease mechanism: loss of function.

Submissions (3):

Evidence-based Network for the Interpretation of Germline Mutant Alleles (ENIGMA)
Classification: Pathogenic for Breast-ovarian cancer, familial, susceptibility to, 1. Last evaluated: 2016-10-18. Review status: reviewed by expert panel. Criteria: ENIGMA BRCA1/2 Classification Criteria (2015). Collection method: curation. Allele origin: germline.
Comment: Variant allele predicted to encode a truncated non-functional protein.

Consortium of Investigators of Modifiers of BRCA1/2 (CIMBA), c/o University of Cambridge
Classification: Pathogenic for Breast-ovarian cancer, familial, susceptibility to, 1. Last evaluated: 2015-10-02. Review status: criteria provided, single submitter. Criteria: CIMBA Mutation Classification guidelines May 2016. Collection method: clinical testing. Allele origin: germline. Not counted in ClinVar's aggregate classification.

Juno Genomics, Hangzhou Juno Genomics, Inc
Classification: Pathogenic for Breast-ovarian cancer, familial, susceptibility to, 1. Review status: criteria provided, single submitter. Criteria: ACMG Guidelines, 2015. Collection method: clinical testing. Allele origin: germline. Not counted in ClinVar's aggregate classification.
Comment: Null variant in a gene where loss of function (LOF) is a known mechanism of disease.;Novel missense change at an amino acid residue where a different missense change determined to be pathogenic has been seen before.

NM_007294.4(BRCA1):c.335del (p.Asn112fs)

Gene: BRCA1 (BRCA1 DNA repair associated; minus strand). Cytogenetic location: 17q21.31.
Variant type: Deletion.
Coding change: c.335del on transcript NM_007294.4 (MANE Select); coding-DNA position 335, one base deleted (A; older notation c.335delA).
Protein change: p.Asn112fs; shifts the reading frame from asparagine 112.
Molecular consequence: frameshift variant. On other transcripts: non-coding transcript variant (1).
Genome position (GRCh38, 1-based): chr17:43,104,228, T deleted on the plus strand (A on the coding strand, the reverse complement: BRCA1 is on the minus strand); the first of 4 consecutive T bases (chr17:43,104,228-43,104,231); deleting any one gives the same sequence. VCF-style (leftmost placement, unchanged base first): chr17-43104227-AT-A. GRCh37 (hg19) VCF-style: chr17-41256244-AT-A.
Other names: 454delA; c.122delA, p.Asn42Ilefs (NM_001407571.1, NM_001407853.1, NM_001407879.1 and 58 more transcripts); c.332delA, p.Asn112Ilefs (NM_001407581.1, NM_001407582.1, NM_001407583.1 and 164 more transcripts); c.323delA, p.Asn109Ilefs (NM_001407646.1, NM_001407647.1, NM_001408408.1); c.254delA, p.Asn86Ilefs (NM_001407653.1, NM_001407654.1, NM_001407655.1 and 21 more transcripts); c.191delA, p.Asn65Ilefs (NM_001407692.1, NM_001407694.1, NM_001407695.1 and 98 more transcripts); c.-50delA (NM_001407959.1, NM_001407960.1, NM_001407962.1 and 4 more transcripts); c.200delA, p.Asn68Ilefs (NM_001408451.1); and 2 more; short protein forms N65fs, N112fs.
Identifiers: ClinVar variation 266359 (VCV000266359.10), dbSNP rs886040119, ClinGen allele CA10590021.